The following is an entry in ClinVar:

NM_002528.7(NTHL1):c.791+3A>G

Gene: NTHL1 (nth like DNA glycosylase 1; minus strand). Cytogenetic location: 16p13.3.
Variant type: single nucleotide variant.
Coding change: c.791+3A>G on transcript NM_002528.7 (MANE Select); 3 bases into the intron after coding-DNA position 791, A replaced by G.
Molecular consequence: intron variant.
Genome position (GRCh38, 1-based): chr16:2,040,130, T>C on the plus strand (A>G on the coding strand, the complement: NTHL1 is on the minus strand). VCF-style: chr16-2040130-T-C. GRCh37 (hg19) VCF-style: chr16-2090131-T-C.
Other names: c.461+3A>G (NM_001318194.2); c.620+3A>G (NM_001318193.2).
Identifiers: ClinVar variation 1520647 (VCV001520647.10), dbSNP rs772690647, ClinGen allele CA7828114.

ClinVar aggregate classification (germline): Uncertain significance. Review status: criteria provided, multiple submitters, no conflicts (2 of 4 stars). 2 submissions from 2 submitters: Uncertain significance (2). Last evaluated 2026-02-03.

Conditions:
Hereditary cancer-predisposing syndrome. Also called: Neoplastic Syndromes, Hereditary; Tumor predisposition; Hereditary Cancer Syndrome; Hereditary neoplastic syndrome. Identifiers: Orphanet 140162, MedGen C0027672, MeSH D009386, MONDO:0015356.

Allele frequency attached by ClinVar (database versions not stated): ExAC 0.00001.

Submissions (3):

Ambry Genetics
Classification: Uncertain significance for Hereditary cancer-predisposing syndrome. Last evaluated: 2026-02-03. Review status: criteria provided, single submitter. Criteria: Ambry Variant Classification Scheme 2023. Collection method: clinical testing. Allele origin: germline.
Comment: The c.815+3A>G intronic variant results from an A to G substitution 3 nucleotides after coding exon 5 in the NTHL1 gene. This nucleotide position is not well conserved in available vertebrate species. In silico splice site analysis predicts that this alteration may weaken the native splice donor site and will result in the creation or strengthening of a novel splice donor site. Based on the available evidence, the clinical significance of this variant remains unclear.

Labcorp Genetics (formerly Invitae), Labcorp
Classification: Uncertain significance. Last evaluated: 2021-10-23. Review status: criteria provided, single submitter. Criteria: Invitae Variant Classification Sherloc (09022015). Collection method: clinical testing. Allele origin: germline.
Comment: This sequence change falls in intron 5 of the NTHL1 gene. It does not directly change the encoded amino acid sequence of the NTHL1 protein. It affects a nucleotide within the consensus splice site. This variant is present in population databases (rs772690647, gnomAD 0.0009%). This variant has not been reported in the literature in individuals affected with NTHL1-related conditions. Variants that disrupt the consensus splice site are a relatively common cause of aberrant splicing (PMID: 17576681, 9536098). RNA analysis indicates that this variant does not impact mRNA splicing (Invitae). In summary, the available evidence is currently insufficient to determine the role of this variant in disease. Therefore, it has been classified as a Variant of Uncertain Significance.

Dr. Peter K. Rogan Lab, Western University
No classification provided (evidence only). Condition: Lung cancer. Review status: no classification provided. Collection method: in vitro. Allele origin: not applicable. Functional consequence: retained intron. Not counted in ClinVar's aggregate classification.

Literature cited by the submitters: PubMed 17576681 (cited by Labcorp Genetics (formerly Invitae), Labcorp); PubMed 9536098 (cited by Labcorp Genetics (formerly Invitae), Labcorp).